The following is an entry in ClinVar:

NM_020975.6(RET):c.1544G>C (p.Cys515Ser)

Gene: RET (ret proto-oncogene; plus strand). Cytogenetic location: 10q11.21.
Variant type: single nucleotide variant.
Coding change: c.1544G>C on transcript NM_020975.6 (MANE Select); coding-DNA position 1544, G replaced by C.
Protein change: p.Cys515Ser; replaces cysteine 515 with serine.
Molecular consequence: missense variant.
Genome position (GRCh38, 1-based): chr10:43,112,120, G>C. VCF-style: chr10-43112120-G-C. GRCh37 (hg19) VCF-style: chr10-43607568-G-C.
Other names: c.782G>C, p.Cys261Ser (NM_001355216.2); c.1544G>C, p.Cys515Ser (NM_001406743.1, NM_001406744.1, NM_001406759.1 and 4 more transcripts); c.1415G>C, p.Cys472Ser (NM_001406761.1, NM_001406762.1, NM_001406764.1 and 1 more transcripts); c.1256G>C, p.Cys419Ser (NM_001406766.1, NM_001406767.1, NM_001406770.1); c.1148G>C, p.Cys383Ser (NM_001406769.1, NM_001406772.1); c.1106G>C, p.Cys369Ser (NM_001406771.1, NM_001406773.1); c.1019G>C, p.Cys340Ser (NM_001406774.1); c.818G>C, p.Cys273Ser (NM_001406775.1, NM_001406776.1, NM_001406777.1 and 1 more transcripts); and 5 more; short protein forms C120S, C173S, C185S, C216S, C261S, C273S, C32S, C340S.
Identifiers: ClinVar variation 3387593 (VCV003387593.1).

ClinVar aggregate classification (germline): Uncertain significance (1 of 4 stars; one submission).

Conditions:
Multiple endocrine neoplasia, type 2 (MEN2). Identifiers: Orphanet 653, MedGen C4048306, MONDO:0019003. Disease mechanism: gain of function.

Submission:

All of Us Research Program, National Institutes of Health
Classification: Uncertain significance for Multiple endocrine neoplasia, type 2. Last evaluated: 2024-09-23. Review status: criteria provided, single submitter. Criteria: ACMG Guidelines, 2015. Collection method: clinical testing. Allele origin: germline. Inheritance: Autosomal dominant inheritance. Observed: 1 variant allele, 1 heterozygote.
Comment: This study involves interpretation of variants in research participants for the purpose of population health screening. Participant phenotype was not available at the time of variant classification. Additional details can be found in publication PMID: 35346344, PMCID: PMC8962531